The following is an entry in ClinVar:

NM_021971.4(GMPPB):c.516C>T (p.Asn172=)

Gene: GMPPB (GDP-mannose pyrophosphorylase B; minus strand). Cytogenetic location: 3p21.31.
Variant type: single nucleotide variant.
Coding change: c.516C>T on transcript NM_021971.4 (MANE Select); coding-DNA position 516, C replaced by T.
Protein change: p.Asn172=; no amino-acid change (asparagine 172 retained).
Molecular consequence: synonymous variant.
Genome position (GRCh38, 1-based): chr3:49,722,641, G>A on the plus strand (C>T on the coding strand, the complement: GMPPB is on the minus strand). VCF-style: chr3-49722641-G-A. GRCh37 (hg19) VCF-style: chr3-49760074-G-A.
Other names: c.516C>T, p.Asn172= (NM_013334.4).
Identifiers: ClinVar variation 679965 (VCV000679965.13), dbSNP rs147672249, ClinGen allele CA2405537.

ClinVar aggregate classification (germline): Benign/Likely benign. Review status: criteria provided, multiple submitters, no conflicts (2 of 4 stars). 4 submissions from 4 submitters: Benign (1); Likely benign (3). Last evaluated 2026-09-01.

Conditions:
Muscular dystrophy-dystroglycanopathy (congenital with brain and eye anomalies), type A14. Also called: Congenital muscular dystrophy-dystroglycanopathy with brain and eye anomalies, type A14; WALKER-WARBURG SYNDROME OR MUSCLE-EYE-BRAIN DISEASE, GMPPB-RELATED; Muscular dystrophy-dystroglycanopathy (congenital with brain and eye anomalies), type a, 14; Congenital Muscular Dystrophy-Dystroglycanopathy with Brain and Eye Anomalies Type A 14. Identifiers: Orphanet 588, MedGen C3809216, MONDO:0014140, OMIM 615350.
Muscular dystrophy-dystroglycanopathy (congenital with impaired intellectual development), type B, 14. Also called: Congenital muscular dystrophy-dystroglycanopathy with mental retardation, type B14; Muscular dystrophy-dystroglycanopathy (congenital with intellectual disability), type B14; MUSCULAR DYSTROPHY, CONGENITAL, GMPPB-RELATED. Identifiers: MedGen C3809221, MONDO:0014141, OMIM 615351.
Autosomal recessive limb-girdle muscular dystrophy type 2T. Also called: Limb-girdle muscular dystrophy-dystroglycanopathy, type C14; MUSCULAR DYSTROPHY-DYSTROGLYCANOPATHY, LIMB-GIRDLE, GMPPB-RELATED; MUSCULAR DYSTROPHY, LIMB-GIRDLE, TYPE 2T; Muscular dystrophy-dystroglycanopathy (limb-girdle), type c, 14. Identifiers: Orphanet 363623, MedGen C4518000, MONDO:0014142, OMIM 615352.
GMPPB-related disorder. Also called: GMPPB-related disorders; GMPPB-related condition.

Allele frequency attached by ClinVar (database versions not stated): gnomAD 0.00017 and 0.00009; ExAC 0.00049; TOPMed 0.00023; gnomAD exomes 0.00049; 1000 Genomes Project 0.00080; ESP Exome Variant Server 0.00008; 1000 Genomes Project 30x 0.00078.

Submissions (4):

CeGaT Center for Human Genetics Tuebingen
Classification: Likely benign. Last evaluated: 2026-09-01. Review status: criteria provided, single submitter. Criteria: CeGaT Center For Human Genetics Tuebingen Variant Classification Criteria Version 2. Collection method: clinical testing. Allele origin: germline. Affected: yes. Observed: 1 variant allele.
Comment: GMPPB: BP4, BP7

Labcorp Genetics (formerly Invitae), Labcorp
Classification: Benign for Autosomal recessive limb-girdle muscular dystrophy type 2T; Muscular dystrophy-dystroglycanopathy (congenital with brain and eye anomalies), type A14; Muscular dystrophy-dystroglycanopathy (congenital with impaired intellectual development), type B, 14. Last evaluated: 2026-01-21. Review status: criteria provided, single submitter. Criteria: Invitae Variant Classification Sherloc (09022015). Collection method: clinical testing. Allele origin: germline.

PreventionGenetics, part of Exact Sciences
Classification: Likely benign for GMPPB-related condition. Last evaluated: 2024-11-18. Review status: criteria provided, single submitter. Criteria: ACMG Guidelines, 2015. Collection method: clinical testing. Allele origin: germline.
Comment: This variant is classified as likely benign based on ACMG/AMP sequence variant interpretation guidelines (Richards et al. 2015 PMID: 25741868, with internal and published modifications).

GeneDx
Classification: Likely benign. Last evaluated: 2018-05-11. Review status: criteria provided, single submitter. Criteria: GeneDx Variant Classification (06012015). Collection method: clinical testing. Allele origin: germline. Affected: yes.
Comment: This variant is considered likely benign or benign based on one or more of the following criteria: it is a conservative change, it occurs at a poorly conserved position in the protein, it is predicted to be benign by multiple in silico algorithms, and/or has population frequency not consistent with disease.